The following is an entry in ClinVar:

ClinVar aggregate classification (germline): Uncertain significance (1 of 4 stars; one submission).

Conditions:
CUL4B-related disorder. Also called: CUL4B-related condition.

Submission:

PreventionGenetics, part of Exact Sciences
Classification: Uncertain significance for CUL4B-related condition. Last evaluated: 2025-04-28. Review status: criteria provided, single submitter. Criteria: ACMG Guidelines, 2015. Collection method: clinical testing. Allele origin: germline.
Comment: The CUL4B c.1249G>A variant is predicted to result in the amino acid substitution p.Val417Ile. To our knowledge, this variant has not been reported in the literature or in a large population database (gnomAD), indicating this variant is rare. At this time, the clinical significance of this variant is uncertain due to the absence of conclusive functional and genetic evidence.

NM_001079872.2(CUL4B):c.1195G>A (p.Val399Ile)

Gene: CUL4B (cullin 4B; minus strand). Cytogenetic location: Xq24.
Variant type: single nucleotide variant.
Coding change: c.1195G>A on transcript NM_001079872.2 (MANE Select); coding-DNA position 1195, G replaced by A.
Protein change: p.Val399Ile; replaces valine 399 with isoleucine.
Molecular consequence: missense variant.
Genome position (GRCh38, 1-based): chrX:120,543,788, C>T on the plus strand (G>A on the coding strand, the complement: CUL4B is on the minus strand). VCF-style: chrX-120543788-C-T. GRCh37 (hg19) VCF-style: chrX-119677643-C-T.
Other names: c.1210G>A, p.Val404Ile (NM_001330624.2); c.661G>A, p.Val221Ile (NM_001369145.1); c.1249G>A, p.Val417Ile (NM_003588.4); short protein forms V221I, V417I, V404I, V399I.
Identifiers: ClinVar variation 4996825 (VCV004996825.1).